The following is an entry in ClinVar:

ClinVar aggregate classification (germline): Uncertain significance. Review status: criteria provided, multiple submitters, no conflicts (2 of 4 stars). 2 submissions from 2 submitters: Uncertain significance (2). Last evaluated 2025-12-24.

Conditions:
Dilated cardiomyopathy 1DD (CMD1DD). Identifiers: Orphanet 154, MedGen C2750995, MONDO:0013168, OMIM 613172.
Cardiovascular phenotype. Identifiers: MedGen CN230736.

Allele frequency attached by ClinVar (database versions not stated): gnomAD exomes below 0.00001.
gnomAD v4.1: 4 of 1,551,754 alleles (0.00026%); highest among the groups gnomAD compares: Non-Finnish European, 0.00035%; no homozygotes.

Submissions (2):

Labcorp Genetics (formerly Invitae), Labcorp
Classification: Uncertain significance for Dilated cardiomyopathy 1DD. Last evaluated: 2025-12-24. Review status: criteria provided, single submitter. Criteria: Invitae Variant Classification Sherloc (09022015). Collection method: clinical testing. Allele origin: germline.
Comment: This sequence change replaces glycine, which is neutral and non-polar, with glutamic acid, which is acidic and polar, at codon 780 of the RBM20 protein (p.Gly780Glu). This variant is not present in population databases (gnomAD no frequency). This variant has not been reported in the literature in individuals affected with RBM20-related conditions. ClinVar contains an entry for this variant (Variation ID: 1789816). Invitae Evidence Modeling of protein sequence and biophysical properties (such as structural, functional, and spatial information, amino acid conservation, physicochemical variation, residue mobility, and thermodynamic stability) indicates that this missense variant is not expected to disrupt RBM20 protein function with a negative predictive value of 95%. In summary, the available evidence is currently insufficient to determine the role of this variant in disease. Therefore, it has been classified as a Variant of Uncertain Significance.

Ambry Genetics
Classification: Uncertain significance for Cardiovascular phenotype. Last evaluated: 2021-06-12. Review status: criteria provided, single submitter. Criteria: Ambry Variant Classification Scheme 2023. Collection method: clinical testing. Allele origin: germline.
Comment: The p.G780E variant (also known as c.2339G>A), located in coding exon 9 of the RBM20 gene, results from a G to A substitution at nucleotide position 2339. The glycine at codon 780 is replaced by glutamic acid, an amino acid with similar properties. This amino acid position is conserved. In addition, this alteration is predicted to be tolerated by in silico analysis. Since supporting evidence is limited at this time, the clinical significance of this alteration remains unclear.

NM_001134363.3(RBM20):c.2339G>A (p.Gly780Glu)

Gene: RBM20 (RNA binding motif protein 20; plus strand). Cytogenetic location: 10q25.2.
Variant type: single nucleotide variant.
Coding change: c.2339G>A on transcript NM_001134363.3 (MANE Select); coding-DNA position 2339, G replaced by A.
Protein change: p.Gly780Glu; replaces glycine 780 with glutamic acid.
Molecular consequence: missense variant.
Genome position (GRCh38, 1-based): chr10:110,812,736, G>A. VCF-style: chr10-110812736-G-A. GRCh37 (hg19) VCF-style: chr10-112572494-G-A.
Other names: short protein forms G780E.
Identifiers: ClinVar variation 1789816 (VCV001789816.3), dbSNP rs2493475395, ClinGen allele CA378373438.